The following is an entry in ClinVar:

ClinVar aggregate classification (germline): Uncertain significance (1 of 4 stars; one submission).

Conditions:
Tuberous sclerosis 2 (TSC2). Identifiers: Orphanet 805, MedGen C1860707, MONDO:0013199, OMIM 613254.

Submission:

Labcorp Genetics (formerly Invitae), Labcorp
Classification: Uncertain significance for Tuberous sclerosis 2. Last evaluated: 2025-11-30. Review status: criteria provided, single submitter. Criteria: Invitae Variant Classification Sherloc (09022015). Collection method: clinical testing. Allele origin: germline.
Comment: This sequence change replaces arginine, which is basic and polar, with proline, which is neutral and non-polar, at codon 1706 of the TSC2 protein (p.Arg1706Pro). This variant is not present in population databases (gnomAD no frequency). This variant has not been reported in the literature in individuals affected with TSC2-related conditions. Invitae Evidence Modeling of protein sequence and biophysical properties (such as structural, functional, and spatial information, amino acid conservation, physicochemical variation, residue mobility, and thermodynamic stability) indicates that this missense variant is not expected to disrupt TSC2 protein function with a negative predictive value of 95%. In summary, the available evidence is currently insufficient to determine the role of this variant in disease. Therefore, it has been classified as a Variant of Uncertain Significance.

NM_000548.5(TSC2):c.5117G>C (p.Arg1706Pro)

Gene: TSC2 (TSC complex subunit 2; plus strand). Cytogenetic location: 16p13.3.
Variant type: single nucleotide variant.
Coding change: c.5117G>C on transcript NM_000548.5 (MANE Select); coding-DNA position 5117, G replaced by C.
Protein change: p.Arg1706Pro; replaces arginine 1706 with proline.
Molecular consequence: missense variant. On other transcripts: non-coding transcript variant (5).
Genome position (GRCh38, 1-based): chr16:2,088,096, G>C. VCF-style: chr16-2088096-G-C. GRCh37 (hg19) VCF-style: chr16-2138097-G-C.
Other names: c.4916G>C, p.Arg1639Pro (NM_001077183.3); c.5048G>C, p.Arg1683Pro (NM_001114382.3); c.4808G>C, p.Arg1603Pro (NM_001318827.2); c.4772G>C, p.Arg1591Pro (NM_001318829.2); c.4385G>C, p.Arg1462Pro (NM_001318831.2); c.4949G>C, p.Arg1650Pro (NM_001318832.2); c.4919G>C, p.Arg1640Pro (NM_001363528.2); c.4985G>C, p.Arg1662Pro (NM_001370404.1); and 26 more; short protein forms R1105P, R1191P, R1192P, R1214P, R1215P, R1235P, R1439P, R1440P.
Identifiers: ClinVar variation 4802891 (VCV004802891.1).
Genomic context (GRCh38, chr16:2,088,096, plus strand): 5'-AAGTCTCCCCAGACATGGAGGGCCTTGTGGACACCAGCGTGGCCAAGATCGTGTCTGACC[G>C]CAACCTGCCCTTCGTGGCCCGCCAGATGGCCCTGCACGCAAATGTGAGTGGGGGTGGGTC-3'
Protein context (NP_000539.2, residues 1696-1716): DTSVAKIVSD[Arg1706Pro]NLPFVARQMA